The following is an entry in ClinVar:

ClinVar aggregate classification (germline): Uncertain significance (1 of 4 stars; one submission).

Conditions:
Familial thoracic aortic aneurysm and aortic dissection (TAAD). Also called: Thoracic aortic aneurysms and dissections. Identifiers: Orphanet 91387, MedGen C4707243, MONDO:0019625.

Submission:

Ambry Genetics
Classification: Uncertain significance for Familial thoracic aortic aneurysm and aortic dissection. Last evaluated: 2020-11-09. Review status: criteria provided, single submitter. Criteria: Ambry Variant Classification Scheme 2023. Collection method: clinical testing. Allele origin: germline.
Comment: The p.Q444R variant (also known as c.1331A>G), located in coding exon 5 of the TGFBR2 gene, results from an A to G substitution at nucleotide position 1331. The glutamine at codon 444 is replaced by arginine, an amino acid with highly similar properties. This amino acid position is highly conserved in available vertebrate species. In addition, this alteration is predicted to be deleterious by in silico analysis. Since supporting evidence is limited at this time, the clinical significance of this alteration remains unclear.

NM_003242.6(TGFBR2):c.1331A>G (p.Gln444Arg)

Gene: TGFBR2 (transforming growth factor beta receptor 2; plus strand). Cytogenetic location: 3p24.1.
Variant type: single nucleotide variant.
Coding change: c.1331A>G on transcript NM_003242.6 (MANE Select); coding-DNA position 1331, A replaced by G.
Protein change: p.Gln444Arg; replaces glutamine 444 with arginine.
Molecular consequence: missense variant.
Genome position (GRCh38, 1-based): chr3:30,674,181, A>G. VCF-style: chr3-30674181-A-G. GRCh37 (hg19) VCF-style: chr3-30715673-A-G.
Other names: c.1406A>G, p.Gln469Arg (NM_001024847.3); c.1514A>G, p.Gln505Arg (NM_001407126.1); c.1439A>G, p.Gln480Arg (NM_001407127.1); c.1358A>G, p.Gln453Arg (NM_001407128.1); c.1334A>G, p.Gln445Arg (NM_001407129.1); c.1331A>G, p.Gln444Arg (NM_001407130.1); c.1226A>G, p.Gln409Arg (NM_001407132.1, NM_001407133.1, NM_001407134.1 and 2 more transcripts); c.1046A>G, p.Gln349Arg (NM_001407137.1); and 1 more; short protein forms Q445R, Q469R, Q349R, Q444R, Q505R, Q324R, Q409R, Q453R.
Identifiers: ClinVar variation 1770146 (VCV001770146.2), dbSNP rs2125439099, ClinGen allele CA351809035.